The following is an entry in ClinVar:

NM_000384.3(APOB):c.9118T>A (p.Ser3040Thr)

Gene: APOB (apolipoprotein B; minus strand). Cytogenetic location: 2p24.1.
Variant type: single nucleotide variant.
Coding change: c.9118T>A on transcript NM_000384.3 (MANE Select); coding-DNA position 9118, T replaced by A.
Protein change: p.Ser3040Thr; replaces serine 3040 with threonine.
Molecular consequence: missense variant.
Genome position (GRCh38, 1-based): chr2:21,007,750, A>T on the plus strand (T>A on the coding strand, the complement: APOB is on the minus strand). VCF-style: chr2-21007750-A-T. GRCh37 (hg19) VCF-style: chr2-21230622-A-T.
Other names: p.Ser3040Thr; short protein forms S3040T.
Identifiers: ClinVar variation 4542536 (VCV004542536.1).

ClinVar aggregate classification (germline): Uncertain significance (1 of 4 stars; one submission).

Submission:

Mayo Clinic Laboratories, Mayo Clinic
Classification: Uncertain significance. Last evaluated: 2025-01-23. Review status: criteria provided, single submitter. Criteria: ACMG Guidelines, 2015. Collection method: clinical testing. Allele origin: germline. Observed: 1 variant allele.
Comment: BP4, PM2_supporting